The following is an entry in ClinVar:

NM_001374828.1(ARID1B):c.803A>G (p.Glu268Gly)

Genes: ARID1B (AT-rich interaction domain 1B; plus strand), LOC115308161 (uncharacterized LOC115308161; minus strand), LOC129997525 (ATAC-STARR-seq lymphoblastoid silent region 17712; plus strand). Cytogenetic location: 6q25.3.
Variant type: single nucleotide variant.
Coding change: c.803A>G on transcript NM_001374828.1 (MANE Select); coding-DNA position 803, A replaced by G.
Protein change: p.Glu268Gly; replaces glutamic acid 268 with glycine.
Molecular consequence: missense variant. On other transcripts: non-coding transcript variant (1).
Genome position (GRCh38, 1-based): chr6:156,778,483, A>G. VCF-style: chr6-156778483-A-G. GRCh37 (hg19) VCF-style: chr6-157099617-A-G.
Other names: c.803A>G, p.Glu268Gly (NM_001371656.1, NM_001374820.1, NM_017519.3); short protein forms E268G.
Identifiers: ClinVar variation 3339984 (VCV003339984.1).

ClinVar aggregate classification (germline): Uncertain significance (1 of 4 stars; one submission).

Submission:

Women's Health and Genetics/Laboratory Corporation of America, LabCorp
Classification: Uncertain significance. Last evaluated: 2024-06-19. Review status: criteria provided, single submitter. Criteria: LabCorp Variant Classification Summary - May 2015. Collection method: clinical testing. Allele origin: germline.
Comment: Variant summary: ARID1B c.803A>G (p.Glu268Gly) results in a non-conservative amino acid change in the encoded protein sequence. Three of four in-silico tools predict a benign effect of the variant on protein function. The frequency data for this variant in gnomAD is considered unreliable, as metrics indicate poor data quality at this position. To our knowledge, no occurrence of c.803A>G in individuals affected with Coffin-Siris Syndrome 1 and no experimental evidence demonstrating its impact on protein function have been reported. No submitters have cited clinical-significance assessments for this variant to ClinVar. Based on the evidence outlined above, the variant was classified as uncertain significance.